The following is an entry in ClinVar:

NM_004006.3(DMD):c.2623-1G>T

Gene: DMD (dystrophin; minus strand). Cytogenetic location: Xp21.1.
Variant type: single nucleotide variant.
Coding change: c.2623-1G>T on transcript NM_004006.3 (MANE Select); the canonical splice acceptor site of the intron before coding-DNA position 2623, G replaced by T.
Molecular consequence: splice acceptor variant.
Genome position (GRCh38, 1-based): chrX:32,485,100, C>A on the plus strand (G>T on the coding strand, the complement: DMD is on the minus strand). VCF-style: chrX-32485100-C-A. GRCh37 (hg19) VCF-style: chrX-32503217-C-A.
Other names: c.2599-1G>T (NM_000109.4); c.2611-1G>T (NM_004009.3); c.2254-1G>T (NM_004010.3).
Identifiers: ClinVar variation 201759 (VCV000201759.5), dbSNP rs794729005, ClinGen allele CA308422.
Genomic context (GRCh38, chrX:32,485,100, plus strand): 5'-GCTTTGAATTTTTAATCGTTCAATTTGAGGTTGAAGATCTGATAGCCGGTTGACTTCATC[C>A]TGTGCCATAGAGTATGGAAAGTAAGTAACACGTTTACTTTGCATACATTACATTTTGCAA-3'

ClinVar aggregate classification (germline): Pathogenic/Likely pathogenic. Review status: criteria provided, multiple submitters, no conflicts (2 of 4 stars). 2 submissions from 2 submitters: Pathogenic (1); Likely pathogenic (1). Last evaluated 2024-01-18.

Submissions (2):

Revvity Omics, Revvity
Classification: Likely pathogenic. Last evaluated: 2024-01-18. Review status: criteria provided, single submitter. Criteria: ACMG Guidelines, 2015. Collection method: clinical testing. Allele origin: germline.

GeneDx
Classification: Pathogenic. Last evaluated: 2014-11-06. Review status: criteria provided, single submitter. Criteria: GeneDx Variant Classification (06012015). Collection method: clinical testing. Allele origin: germline. Affected: yes.
Comment: c.2623-1 G>T: IVS20-1 G>T in intron 20 of the DMD gene (NM_004006.2). The c.2623-1 G>T splice site mutation in the DMD gene destroys the canonical splice acceptor site in intron 20. It is predicted to cause abnormal gene splicing, either leading to an abnormal message that is subject to nonsense-mediated mRNA decay, or to an abnormal protein product if the message is used for protein translation. It was not observed with any significant frequency in approximately 6,500 individuals of European and African American ancestry in the NHLBI Exome Sequencing Project. Other splicing mutations affecting intron 20, specifically c.2623-2 A>G and c.2623-3 C>G, have been reported in association with dystrophinopathies (Takeshima et al., 2010; Sedlackova et al., 2009). Although c.2623-1 G>T has not been previously reported to out knowledge, it is expected to be a pathogenic mutation. The variant is found in DMD-CRDM panel(s).